The following is an entry in ClinVar:

NM_021098.3(CACNA1H):c.5677C>T (p.Arg1893Trp)

Gene: CACNA1H (calcium voltage-gated channel subunit alpha1 H; plus strand). Cytogenetic location: 16p13.3.
Variant type: single nucleotide variant.
Coding change: c.5677C>T on transcript NM_021098.3 (MANE Select); coding-DNA position 5677, C replaced by T.
Protein change: p.Arg1893Trp; replaces arginine 1893 with tryptophan.
Molecular consequence: missense variant.
Genome position (GRCh38, 1-based): chr16:1,218,441, C>T. VCF-style: chr16-1218441-C-T. GRCh37 (hg19) VCF-style: chr16-1268441-C-T.
Other names: c.5659C>T, p.Arg1887Trp (NM_001005407.2); short protein forms R1893W, R1887W.
Identifiers: ClinVar variation 569964 (VCV000569964.12), dbSNP rs899082537, ClinGen allele CA276612552.
Genomic context (GRCh38, chr16:1,218,441, plus strand): 5'-GATGCGGAGCTGGACGCCGAGATCGAGCTGGAGATGGCGCAGGGCCCCGGGAGTGCACGC[C>T]GGGTGGACGCGGACAGGCCTCCCTTGCCCCAGGAGAGTCCGGGCGCCAGGGACGCCCCAA-3'
Protein context (NP_066921.2, residues 1883-1903): EMAQGPGSAR[Arg1893Trp]VDADRPPLPQ

ClinVar aggregate classification (germline): Conflicting classifications of pathogenicity. Review status: criteria provided, conflicting classifications (1 of 4 stars). 2 submissions from 2 submitters: Uncertain significance (1); Benign (1). Last evaluated 2026-09-19.

Conditions:
Idiopathic generalized epilepsy. Also called: Generalised epilepsy; EIG. Identifiers: MedGen C0270850, MONDO:0005579, OMIM 600669.
Hyperaldosteronism, familial, type IV (HALD4). Also called: FH IV; ALDOSTERONISM, PRIMARY, AND HYPERTENSION. Identifiers: Orphanet 642671, MedGen C4310756, MONDO:0014875, OMIM 617027.

Allele frequency attached by ClinVar (database versions not stated): gnomAD 0.00001; gnomAD exomes 0.00001; TOPMed 0.00003.
gnomAD v4.1: 17 of 1,551,868 alleles (0.0011%); highest among the groups gnomAD compares: African/African-American, 0.0014%; no homozygotes.

Submissions (2):

GeneDx
Classification: Uncertain significance. Last evaluated: 2026-09-19. Review status: criteria provided, single submitter. Criteria: GeneDx Variant Classification Process June 2021. Collection method: clinical testing. Allele origin: germline.
Comment: Identified with a second CACNA1H variant in a patient with a neurodevelopmental disorder in the published literature; this patient harbored a variant in a different gene that may be causative for their phenotype (PMID: 40108438); In silico analysis suggests that this missense variant does not alter protein structure/function; This variant is associated with the following publications: (PMID: 40108438)

Labcorp Genetics (formerly Invitae), Labcorp
Classification: Benign for Idiopathic generalized epilepsy; Hyperaldosteronism, familial, type IV. Last evaluated: 2023-06-10. Review status: criteria provided, single submitter. Criteria: Invitae Variant Classification Sherloc (09022015). Collection method: clinical testing. Allele origin: germline.